The following is an entry in ClinVar:

ClinVar aggregate classification (germline): Uncertain significance. Review status: criteria provided, multiple submitters, no conflicts (2 of 4 stars). 2 submissions from 2 submitters: Uncertain significance (2). Last evaluated 2024-10-28.

Conditions:
Familial adenomatous polyposis 1 (FAP1). Also called: POLYPOSIS, ADENOMATOUS INTESTINAL; FAMILIAL ADENOMATOUS POLYPOSIS 1, ATTENUATED. Identifiers: MedGen C2713442, MONDO:0021056, OMIM 175100. Disease mechanism: loss of function.
Hereditary cancer-predisposing syndrome. Also called: Tumor predisposition; Hereditary neoplastic syndrome; Neoplastic Syndromes, Hereditary; Hereditary Cancer Syndrome. Identifiers: Orphanet 140162, MedGen C0027672, MeSH D009386, MONDO:0015356.

Submissions (2):

Labcorp Genetics (formerly Invitae), Labcorp
Classification: Uncertain significance for Familial adenomatous polyposis 1. Last evaluated: 2024-10-28. Review status: criteria provided, single submitter. Criteria: Invitae Variant Classification Sherloc (09022015). Collection method: clinical testing. Allele origin: germline.
Comment: This sequence change replaces glycine, which is neutral and non-polar, with aspartic acid, which is acidic and polar, at codon 859 of the APC protein (p.Gly859Asp). This variant is not present in population databases (gnomAD no frequency). This variant has not been reported in the literature in individuals affected with APC-related conditions. ClinVar contains an entry for this variant (Variation ID: 949998). Invitae Evidence Modeling of protein sequence and biophysical properties (such as structural, functional, and spatial information, amino acid conservation, physicochemical variation, residue mobility, and thermodynamic stability) indicates that this missense variant is not expected to disrupt APC protein function with a negative predictive value of 95%. In summary, the available evidence is currently insufficient to determine the role of this variant in disease. Therefore, it has been classified as a Variant of Uncertain Significance.

Ambry Genetics
Classification: Uncertain significance for Hereditary cancer-predisposing syndrome. Last evaluated: 2023-11-07. Review status: criteria provided, single submitter. Criteria: Ambry Variant Classification Scheme 2023. Collection method: clinical testing. Allele origin: germline.
Comment: The p.G859D variant (also known as c.2576G>A), located in coding exon 15 of the APC gene, results from a G to A substitution at nucleotide position 2576. The glycine at codon 859 is replaced by aspartic acid, an amino acid with similar properties. This amino acid position is not well conserved in available vertebrate species. In addition, in silico predictors for this gene do not accurately predict pathogenicity. Since supporting evidence is limited at this time, the clinical significance of this alteration remains unclear.

NM_000038.6(APC):c.2576G>A (p.Gly859Asp)

Gene: APC (APC regulator of Wnt signaling pathway; plus strand). Cytogenetic location: 5q22.2.
Variant type: single nucleotide variant.
Coding change: c.2576G>A on transcript NM_000038.6 (MANE Select); coding-DNA position 2576, G replaced by A.
Protein change: p.Gly859Asp; replaces glycine 859 with aspartic acid.
Molecular consequence: missense variant.
Genome position (GRCh38, 1-based): chr5:112,838,170, G>A. VCF-style: chr5-112838170-G-A. GRCh37 (hg19) VCF-style: chr5-112173867-G-A.
Other names: c.2576G>A, p.Gly859Asp (NM_001127510.3, NM_001354895.2); c.2522G>A, p.Gly841Asp (NM_001127511.3); c.2630G>A, p.Gly877Asp (NM_001354896.2); c.2606G>A, p.Gly869Asp (NM_001354897.2); c.2501G>A, p.Gly834Asp (NM_001354898.2); c.2492G>A, p.Gly831Asp (NM_001354899.2); c.2453G>A, p.Gly818Asp (NM_001354900.2); c.2399G>A, p.Gly800Asp (NM_001354901.2); and 5 more; short protein forms G733D, G768D, G841D, G576D, G818D, G834D, G831D, G877D.
Identifiers: ClinVar variation 949998 (VCV000949998.12), dbSNP rs1580624277, ClinGen allele CA16026976.